The following is an entry in ClinVar:

NM_000143.4(FH):c.301_319del (p.Arg101fs)

Gene: FH (fumarate hydratase; minus strand). Cytogenetic location: 1q43.
Variant type: Deletion.
Coding change: c.301_319del on transcript NM_000143.4 (MANE Select); coding-DNA positions 301 to 319, 19 bases deleted (CGAGCGGCCGCTGAAGTAA).
Protein change: p.Arg101fs; shifts the reading frame from arginine 101.
Molecular consequence: frameshift variant.
Genome position (GRCh38, 1-based): chr1:241,513,662-241,513,680, TTACTTCAGCGGCCGCTCG deleted on the plus strand (CGAGCGGCCGCTGAAGTAA on the coding strand, the reverse complement: FH is on the minus strand). VCF-style (leftmost placement, unchanged base first): chr1-241513661-TTTACTTCAGCGGCCGCTCG-T. GRCh37 (hg19) VCF-style: chr1-241676961-TTTACTTCAGCGGCCGCTCG-T.
Other names: c.301_319delCGAGCGGCCGCTGAAGTAA (NM_000143.3); short protein forms R101fs.
Identifiers: ClinVar variation 569195 (VCV000569195.13), dbSNP rs1558401094, ClinGen allele CA891843179.

ClinVar aggregate classification (germline): Pathogenic. Review status: criteria provided, multiple submitters, no conflicts (2 of 4 stars). 3 submissions from 3 submitters: Pathogenic (3). Last evaluated 2023-06-06.

Conditions:
Hereditary leiomyomatosis and renal cell cancer. Also called: MULTIPLE CUTANEOUS AND UTERINE LEIOMYOMATA 1, WITH OR WITHOUT RENAL CELL CARCINOMA; LEIOMYOMA, MULTIPLE CUTANEOUS; Familial leiomyomatosis; Multiple cutaneous leiomyomas; FH tumor predisposition syndrome; Reed syndrome. Identifiers: Orphanet 523, MedGen C1708350, MONDO:0007888, OMIM 150800, HP:0007437. Disease mechanism: loss of function.
Hereditary cancer-predisposing syndrome. Also called: Hereditary neoplastic syndrome; Neoplastic Syndromes, Hereditary; Hereditary Cancer Syndrome; Tumor predisposition. Identifiers: Orphanet 140162, MedGen C0027672, MeSH D009386, MONDO:0015356.

Submissions (3):

Myriad Genetics, Inc.
Classification: Pathogenic for Hereditary leiomyomatosis and renal cell cancer. Last evaluated: 2023-06-06. Review status: criteria provided, single submitter. Criteria: Myriad Autosomal Dominant, Autosomal Recessive and X-Linked Classification Criteria (2023). Collection method: clinical testing. Allele origin: unknown.
Comment: This variant is considered pathogenic. This variant creates a frameshift predicted to result in premature protein truncation.

Ambry Genetics
Classification: Pathogenic for Hereditary cancer-predisposing syndrome. Last evaluated: 2019-10-28. Review status: criteria provided, single submitter. Criteria: Ambry Variant Classification Scheme 2023. Collection method: clinical testing. Allele origin: germline.
Comment: The c.301_319del19 pathogenic mutation, located in coding exon 3 of the FH gene, results from a deletion of 19 nucleotides at nucleotide positions 301 to 319, causing a translational frameshift with a predicted alternate stop codon (p.R101Tfs*14). This alteration is expected to result in loss of function by premature protein truncation or nonsense-mediated mRNA decay. As such, this alteration is interpreted as a disease-causing mutation.

Labcorp Genetics (formerly Invitae), Labcorp
Classification: Pathogenic. Last evaluated: 2018-09-11. Review status: criteria provided, single submitter. Criteria: Invitae Variant Classification Sherloc (09022015). Collection method: clinical testing. Allele origin: germline.
Comment: For these reasons, this variant has been classified as Pathogenic. Loss-of-function variants in FH are known to be pathogenic (PMID: 11865300, 21398687). This variant has not been reported in the literature in individuals with FH-related disease. This variant is not present in population databases (ExAC no frequency). This sequence change creates a premature translational stop signal (p.Arg101Thrfs*14) in the FH gene. It is expected to result in an absent or disrupted protein product.

Literature cited by the submitters: PubMed 11865300 (cited by Labcorp Genetics (formerly Invitae), Labcorp); PubMed 21398687 (cited by Labcorp Genetics (formerly Invitae), Labcorp).